The following is an entry in ClinVar:

NM_006950.3(SYN1):c.350T>C (p.Leu117Pro)

Gene: SYN1 (synapsin I; minus strand). Cytogenetic location: Xp11.23.
Variant type: single nucleotide variant.
Coding change: c.350T>C on transcript NM_006950.3 (MANE Select); coding-DNA position 350, T replaced by C.
Protein change: p.Leu117Pro; replaces leucine 117 with proline.
Molecular consequence: missense variant.
Genome position (GRCh38, 1-based): chrX:47,619,379, A>G on the plus strand (T>C on the coding strand, the complement: SYN1 is on the minus strand). VCF-style: chrX-47619379-A-G. GRCh37 (hg19) VCF-style: chrX-47478778-A-G.
Other names: c.350T>C, p.Leu117Pro (NM_133499.2); short protein forms L117P.
Identifiers: ClinVar variation 465096 (VCV000465096.9), dbSNP rs1556861785, ClinGen allele CA412831558.

ClinVar aggregate classification (germline): Uncertain significance (1 of 4 stars; one submission).

Conditions:
Epilepsy, X-linked 1, with variable learning disabilities and behavior disorders. Also called: X-linked epilepsy-learning disabilities-behavior disorders syndrome. Identifiers: Orphanet 85294, MedGen C5774177, MONDO:0010339, OMIM 300491.

Submission:

Labcorp Genetics (formerly Invitae), Labcorp
Classification: Uncertain significance for Epilepsy, X-linked 1, with variable learning disabilities and behavior disorders. Last evaluated: 2022-09-01. Review status: criteria provided, single submitter. Criteria: Invitae Variant Classification Sherloc (09022015). Collection method: clinical testing. Allele origin: germline.
Comment: This sequence change replaces leucine, which is neutral and non-polar, with proline, which is neutral and non-polar, at codon 117 of the SYN1 protein (p.Leu117Pro). This variant is not present in population databases (gnomAD no frequency). This variant has not been reported in the literature in individuals affected with SYN1-related conditions. ClinVar contains an entry for this variant (Variation ID: 465096). Algorithms developed to predict the effect of missense changes on protein structure and function are either unavailable or do not agree on the potential impact of this missense change (SIFT: "Deleterious"; PolyPhen-2: "Probably Damaging"; Align-GVGD: "Class C0"). In summary, the available evidence is currently insufficient to determine the role of this variant in disease. Therefore, it has been classified as a Variant of Uncertain Significance.